The following is an entry in ClinVar:

NM_000245.4(MET):c.2086A>C (p.Thr696Pro)

Gene: MET (MET proto-oncogene, receptor tyrosine kinase; plus strand). Cytogenetic location: 7q31.2.
Variant type: single nucleotide variant.
Coding change: c.2086A>C on transcript NM_000245.4 (MANE Select); coding-DNA position 2086, A replaced by C.
Protein change: p.Thr696Pro; replaces threonine 696 with proline.
Molecular consequence: missense variant.
Genome position (GRCh38, 1-based): chr7:116,757,758, A>C. VCF-style: chr7-116757758-A-C. GRCh37 (hg19) VCF-style: chr7-116397812-A-C.
Other names: c.2086A>C, p.Thr696Pro (NM_001127500.3, NM_001324401.3); c.796A>C, p.Thr266Pro (NM_001324402.2); short protein forms T266P, T696P.
Identifiers: ClinVar variation 4106748 (VCV004106748.1).
Genomic context (GRCh38, chr7:116,757,758, plus strand): 5'-ACTTTAACTGGAAATTACCTAAACAGTGGGAATTCTAGACACATTTCAATTGGTGGAAAA[A>C]CATGTACTTTAAAAAGGTGTTGTAAATTTATTTTTTGTTGCATCTGTCAATTTGAATTAA-3'
Protein context (NP_000236.2, residues 686-706): NSRHISIGGK[Thr696Pro]CTLKSVSNSI

ClinVar aggregate classification (germline): Uncertain significance (1 of 4 stars; one submission).

Conditions:
Hereditary cancer-predisposing syndrome. Also called: Tumor predisposition; Neoplastic Syndromes, Hereditary; Hereditary neoplastic syndrome; Hereditary Cancer Syndrome. Identifiers: Orphanet 140162, MedGen C0027672, MeSH D009386, MONDO:0015356.

Submission:

Ambry Genetics
Classification: Uncertain significance for Hereditary cancer-predisposing syndrome. Last evaluated: 2025-07-01. Review status: criteria provided, single submitter. Criteria: Ambry Variant Classification Scheme 2023. Collection method: clinical testing. Allele origin: germline.
Comment: The p.T696P variant (also known as c.2086A>C), located in coding exon 7 of the MET gene, results from an A to C substitution at nucleotide position 2086. The threonine at codon 696 is replaced by proline, an amino acid with highly similar properties. This amino acid position is conserved. In addition, this alteration is predicted to be tolerated by in silico analysis. Based on the available evidence, the clinical significance of this variant remains unclear.